The following is an entry in ClinVar:

ClinVar aggregate classification (germline): Uncertain significance. Review status: criteria provided, multiple submitters, no conflicts (2 of 4 stars). 2 submissions from 2 submitters: Uncertain significance (2). Last evaluated 2025-11-19.

Conditions:
Familial thoracic aortic aneurysm and aortic dissection (TAAD). Also called: Thoracic aortic aneurysms and dissections. Identifiers: Orphanet 91387, MedGen C4707243, MONDO:0019625.
Congenital contractural arachnodactyly (CCA). Also called: Beals-Hecht syndrome; BEALS SYNDROME; Arthrogryposis, distal, type 9. Identifiers: Orphanet 115, MedGen C0220668, MONDO:0007363, OMIM 121050.

gnomAD v4.1: 1 of 1,614,140 alleles (0.000062%); highest among the groups gnomAD compares: Non-Finnish European, 0.000085%; no homozygotes.

Submissions (2):

Ambry Genetics
Classification: Uncertain significance for Familial thoracic aortic aneurysm and aortic dissection. Last evaluated: 2025-11-19. Review status: criteria provided, single submitter. Criteria: Ambry Variant Classification Scheme 2023. Collection method: clinical testing. Allele origin: germline.
Comment: The p.I2436M variant (also known as c.7308A>G), located in coding exon 57 of the FBN2 gene, results from an A to G substitution at nucleotide position 7308. The isoleucine at codon 2436 is replaced by methionine, an amino acid with highly similar properties. This amino acid position is poorly conserved in available vertebrate species. In addition, this alteration is predicted to be tolerated by in silico analysis. Based on the available evidence, the clinical significance of this variant remains unclear.

Labcorp Genetics (formerly Invitae), Labcorp
Classification: Uncertain significance for Congenital contractural arachnodactyly. Last evaluated: 2025-06-10. Review status: criteria provided, single submitter. Criteria: Invitae Variant Classification Sherloc (09022015). Collection method: clinical testing. Allele origin: germline.
Comment: This sequence change replaces isoleucine, which is neutral and non-polar, with methionine, which is neutral and non-polar, at codon 2436 of the FBN2 protein (p.Ile2436Met). This variant is not present in population databases (gnomAD no frequency). This variant has not been reported in the literature in individuals affected with FBN2-related conditions. Invitae Evidence Modeling of protein sequence and biophysical properties (such as structural, functional, and spatial information, amino acid conservation, physicochemical variation, residue mobility, and thermodynamic stability) indicates that this missense variant is not expected to disrupt FBN2 protein function with a negative predictive value of 80%. In summary, the available evidence is currently insufficient to determine the role of this variant in disease. Therefore, it has been classified as a Variant of Uncertain Significance.

NM_001999.4(FBN2):c.7308A>G (p.Ile2436Met)

Gene: FBN2 (fibrillin 2; minus strand). Cytogenetic location: 5q23.3.
Variant type: single nucleotide variant.
Coding change: c.7308A>G on transcript NM_001999.4 (MANE Select); coding-DNA position 7308, A replaced by G.
Protein change: p.Ile2436Met; replaces isoleucine 2436 with methionine.
Molecular consequence: missense variant.
Genome position (GRCh38, 1-based): chr5:128,278,672, T>C on the plus strand (A>G on the coding strand, the complement: FBN2 is on the minus strand). VCF-style: chr5-128278672-T-C. GRCh37 (hg19) VCF-style: chr5-127614364-T-C.
Other names: short protein forms I2436M.
Identifiers: ClinVar variation 4635380 (VCV004635380.2).
Genomic context (GRCh38, chr5:128,278,672, plus strand): 5'-AATAAATTTCCTCAACTCCTTACCTCTTCCATCAGTTGTATATCCTGGGCCATGAGGACA[T>C]ATCTTTTTGTACTGGGCAGTTCCAGGAAGTGGGCAAAGCTCGCACTGGTGGCCCCAGCCT-3'
Protein context (NP_001990.2, residues 2426-2446): PLPGTAQYKK[Ile2436Met]CPHGPGYTTD